The following is an entry in ClinVar:

NM_000059.4(BRCA2):c.710A>G (p.Asp237Gly)

Gene: BRCA2 (BRCA2 DNA repair associated; plus strand). Cytogenetic location: 13q13.1.
Variant type: single nucleotide variant.
Coding change: c.710A>G on transcript NM_000059.4 (MANE Select); coding-DNA position 710, A replaced by G.
Protein change: p.Asp237Gly; replaces aspartic acid 237 with glycine.
Molecular consequence: missense variant.
Genome position (GRCh38, 1-based): chr13:32,330,947, A>G. VCF-style: chr13-32330947-A-G. GRCh37 (hg19) VCF-style: chr13-32905084-A-G.
Other names: p.D237G:GAT>GGT; short protein forms D237G.
Identifiers: ClinVar variation 182180 (VCV000182180.21), dbSNP rs730881506, ClinGen allele CA024877.

ClinVar aggregate classification (germline): Uncertain significance. Review status: criteria provided, multiple submitters, no conflicts (2 of 4 stars). 6 submissions from 6 submitters: Uncertain significance (6). Last evaluated 2025-05-13.

Conditions:
BRCA2-related cancer predisposition. Identifiers: MedGen CN377758, MONDO:0700269.
Hereditary cancer-predisposing syndrome. Also called: Tumor predisposition; Hereditary Cancer Syndrome; Hereditary neoplastic syndrome; Neoplastic Syndromes, Hereditary. Identifiers: Orphanet 140162, MedGen C0027672, MeSH D009386, MONDO:0015356.
Hereditary breast ovarian cancer syndrome. Also called: Breast and ovarian cancer; Hereditary breast and ovarian cancer; Hereditary breast and/or ovarian cancer syndrome; BRCA1- and BRCA2-Associated Hereditary Breast and Ovarian Cancer; Hereditary breast and ovarian cancer syndrome (HBOC); Hereditary breast and ovarian cancer syndrome. Identifiers: Orphanet 145, MedGen C0677776, MeSH D061325, MONDO:0003582. Disease mechanism: loss of function.

gnomAD v4.1: 1 of 1,612,830 alleles (0.000062%); highest among the groups gnomAD compares: Non-Finnish European, 0.000085%; no homozygotes.

Submissions (6):

Labcorp Genetics (formerly Invitae), Labcorp
Classification: Uncertain significance for Hereditary breast ovarian cancer syndrome. Last evaluated: 2025-05-13. Review status: criteria provided, single submitter. Criteria: Invitae Variant Classification Sherloc (09022015). Collection method: clinical testing. Allele origin: germline.
Comment: This sequence change replaces aspartic acid, which is acidic and polar, with glycine, which is neutral and non-polar, at codon 237 of the BRCA2 protein (p.Asp237Gly). This variant is not present in population databases (gnomAD no frequency). This missense change has been observed in individual(s) with a personal and/or family history of breast and/or ovarian cancer (PMID: 29161300, 35127508, 36775216). ClinVar contains an entry for this variant (Variation ID: 182180). Invitae Evidence Modeling of protein sequence and biophysical properties (such as structural, functional, and spatial information, amino acid conservation, physicochemical variation, residue mobility, and thermodynamic stability) indicates that this missense variant is not expected to disrupt BRCA2 protein function with a negative predictive value of 95%. In summary, the available evidence is currently insufficient to determine the role of this variant in disease. Therefore, it has been classified as a Variant of Uncertain Significance.

Women's Health and Genetics/Laboratory Corporation of America, LabCorp
Classification: Uncertain significance. Last evaluated: 2024-11-27. Review status: criteria provided, single submitter. Criteria: LabCorp Variant Classification Summary - May 2015. Collection method: clinical testing. Allele origin: germline.
Comment: Variant summary: BRCA2 c.710A>G (p.Asp237Gly) results in a non-conservative amino acid change in the encoded protein sequence. Four of five in-silico tools predict a benign effect of the variant on protein function. The variant was absent in 250416 control chromosomes. The available data on variant occurrences in the general population are insufficient to allow any conclusion about variant significance. c.710A>G has been reported in the literature in individuals affected with Hereditary Breast And Ovarian Cancer Syndrome (Andreis_2023, Alemar_2017, Andrikopoulou_2022). These report(s) do not provide unequivocal conclusions about association of the variant with Hereditary Breast And Ovarian Cancer Syndrome. To our knowledge, no experimental evidence demonstrating an impact on protein function has been reported. The following publications have been ascertained in the context of this evaluation (PMID: 29161300, 36775216, 35127508). ClinVar contains an entry for this variant (Variation ID: 182180). Based on the evidence outlined above, the variant was classified as uncertain significance.

GeneDx
Classification: Uncertain significance. Last evaluated: 2024-04-09. Review status: criteria provided, single submitter. Criteria: GeneDx Variant Classification Process June 2021. Collection method: clinical testing. Allele origin: germline. Affected: yes.
Comment: Observed in individuals with BRCA2-related cancers (PMID: 29161300, 35127508, 36775216); Not observed at significant frequency in large population cohorts (gnomAD); In silico analysis indicates that this missense variant does not alter protein structure/function; Also known as 938A>G; This variant is associated with the following publications: (PMID: 32467295, 31131967, 29161300, 33471991, 35127508, 29884841, 32377563, 31853058, 36775216)

All of Us Research Program, National Institutes of Health
Classification: Uncertain significance for BRCA2-related cancer predisposition. Last evaluated: 2024-03-05. Review status: criteria provided, single submitter. Criteria: ACMG Guidelines, 2015. Collection method: clinical testing. Allele origin: germline. Inheritance: Autosomal dominant inheritance. Observed: 1 variant allele, 1 heterozygote.
Comment: This missense variant replaces aspartic acid with glycine at codon 237 of the BRCA2 protein. Computational prediction suggests that this variant may not impact protein structure and function (internally defined REVEL score threshold <= 0.5, PMID: 27666373). To our knowledge, functional studies have not been reported for this variant. This variant has been observed in at least one individual affected with or at-risk for breast or ovarian cancer (PMID: 29161300) and has been reported in a suspected hereditary breast and ovarian cancer family with co-occurrence and family history likelihood ratios of 1.0246 and 0.492, respectively (PMID: 31131967). This variant has not been identified in the general population by the Genome Aggregation Database (gnomAD). The available evidence is insufficient to determine the role of this variant in disease conclusively. Therefore, this variant is classified as a Variant of Uncertain Significance.

This study involves interpretation of variants in research participants for the purpose of population health screening. Participant phenotype was not available at the time of variant classification. Additional details can be found in publication PMID: 35346344, PMCID: PMC8962531

Ambry Genetics
Classification: Uncertain significance for Hereditary cancer-predisposing syndrome. Last evaluated: 2023-10-27. Review status: criteria provided, single submitter. Criteria: Ambry Variant Classification Scheme 2023. Collection method: clinical testing. Allele origin: germline.
Comment: The p.D237G variant (also known as c.710A>G), located in coding exon 8 of the BRCA2 gene, results from an A to G substitution at nucleotide position 710. The aspartic acid at codon 237 is replaced by glycine, an amino acid with similar properties. This variant has been reported in a Brazilian HBOC cohort (Alemar B et al. PLoS ONE, 2017 Nov;12:e0187630). This amino acid position is not well conserved in available vertebrate species. In addition, this alteration is predicted to be tolerated by in silico analysis. Since supporting evidence is limited at this time, the clinical significance of this alteration remains unclear.

Color Diagnostics, LLC DBA Color Health
Classification: Uncertain significance for Hereditary cancer-predisposing syndrome. Last evaluated: 2022-10-31. Review status: criteria provided, single submitter. Criteria: ACMG Guidelines, 2015. Collection method: clinical testing. Allele origin: germline.
Comment: This missense variant replaces aspartic acid with glycine at codon 237 of the BRCA2 protein. Computational prediction suggests that this variant may not impact protein structure and function (internally defined REVEL score threshold <= 0.5, PMID: 27666373). To our knowledge, functional studies have not been reported for this variant. This variant has been reported in individuals with a personal or family history of breast and/or ovarian cancer (PMID: 29161300, 35127508, Color internal data) and in 2 healthy controls (Leiden Open Variation Database DB-ID BRCA2_007745; PMID: 33471991). This variant has been reported in a suspected hereditary breast and ovarian cancer family with co-occurrence and family history likelihood ratios of 1.0246 and 0.492, respectively (PMID: 31131967). This variant has not been identified in the general population by the Genome Aggregation Database (gnomAD). The available evidence is insufficient to determine the role of this variant in disease conclusively. Therefore, this variant is classified as a Variant of Uncertain Significance.

Literature cited by the submitters: PubMed 29161300 (cited by 5 submitters); PubMed 35127508 (cited by 3 submitters); PubMed 36775216 (cited by Labcorp Genetics (formerly Invitae), Labcorp and Women's Health and Genetics/Laboratory Corporation of America, LabCorp); PubMed 31131967 (cited by All of Us Research Program, National Institutes of Health and Color Diagnostics, LLC DBA Color Health).